The following is an entry in ClinVar:

NM_005546.4(ITK):c.767C>T (p.Thr256Ile)

Gene: ITK (IL2 inducible T cell kinase; plus strand). Cytogenetic location: 5q33.3.
Variant type: single nucleotide variant.
Coding change: c.767C>T on transcript NM_005546.4 (MANE Select); coding-DNA position 767, C replaced by T.
Protein change: p.Thr256Ile; replaces threonine 256 with isoleucine.
Molecular consequence: missense variant.
Genome position (GRCh38, 1-based): chr5:157,232,393, C>T. VCF-style: chr5-157232393-C-T. GRCh37 (hg19) VCF-style: chr5-156659403-C-T.
Other names: short protein forms T256I.
Identifiers: ClinVar variation 540357 (VCV000540357.11), dbSNP rs115751349, ClinGen allele CA3532879.

ClinVar aggregate classification (germline): Uncertain significance. Review status: criteria provided, multiple submitters, no conflicts (2 of 4 stars). 3 submissions from 3 submitters: Uncertain significance (3). Last evaluated 2025-06-17.

Conditions:
Lymphoproliferative syndrome 1 (LPFS1). Identifiers: Orphanet 238505, Orphanet 538963, MedGen C3552634, MONDO:0013081, OMIM 613011.

Allele frequency attached by ClinVar (database versions not stated): gnomAD exomes 0.00016; ExAC 0.00020; gnomAD 0.00063 and 0.00069; TOPMed 0.00071; 1000 Genomes Project 0.00080; ESP Exome Variant Server 0.00085; 1000 Genomes Project 30x 0.00125.
gnomAD v4.1: 203 of 1,596,974 alleles (0.013%); highest among the groups gnomAD compares: African/African-American, 0.25%; no homozygotes.

Submissions (3):

St. Jude Molecular Pathology, St. Jude Children's Research Hospital
Classification: Uncertain significance for Lymphoproliferative syndrome 1. Last evaluated: 2025-06-17. Review status: criteria provided, single submitter. Criteria: St. Jude Assertion Criteria 2020. Collection method: clinical testing. Allele origin: germline.
Comment: The ITK c.767C>T p.(Thr256Ile) missense change has a maximum subpopulation frequency of 0.2% in gnomAD v2.1.1. The in silico tool REVEL is inconclusive about a pathogenic or benign effect of this variant on protein function, and to our knowledge functional studies have not been performed. To our know ledge, this variant has not been reported in individuals with ITK-related disease. In summary, the evidence currently available is insufficient to determine the clinical significance of this variant. It has therefore been classified as of uncertain significance.

Labcorp Genetics (formerly Invitae), Labcorp
Classification: Uncertain significance for Lymphoproliferative syndrome 1. Last evaluated: 2024-10-15. Review status: criteria provided, single submitter. Criteria: Invitae Variant Classification Sherloc (09022015). Collection method: clinical testing. Allele origin: germline.
Comment: This sequence change replaces threonine, which is neutral and polar, with isoleucine, which is neutral and non-polar, at codon 256 of the ITK protein (p.Thr256Ile). This variant is present in population databases (rs115751349, gnomAD 0.2%). This variant has not been reported in the literature in individuals affected with ITK-related conditions. ClinVar contains an entry for this variant (Variation ID: 540357). An algorithm developed to predict the effect of missense changes on protein structure and function (PolyPhen-2) suggests that this variant¬†is likely to be tolerated. In summary, the available evidence is currently insufficient to determine the role of this variant in disease. Therefore, it has been classified as a Variant of Uncertain Significance.

Blueprint Genetics
Classification: Uncertain significance. Last evaluated: 2023-12-27. Review status: criteria provided, single submitter. Criteria: ACMG Guidelines, 2015. Collection method: clinical testing. Allele origin: germline.